The following is an entry in ClinVar:

ClinVar aggregate classification (germline): Conflicting classifications of pathogenicity. Review status: criteria provided, conflicting classifications (1 of 4 stars). 2 submissions from 2 submitters: Uncertain significance (1); Likely benign (1). Last evaluated 2023-11-13.

Conditions:
Inborn genetic diseases. Identifiers: MedGen C0950123, MeSH D030342.
Ocular cystinosis. Also called: Non-Nephropathic Cystinosis; Non-Nephropathic (Ocular) Cystinosis. Identifiers: Orphanet 213, Orphanet 411641, MedGen C2931013, MONDO:0009064, OMIM 219750.
Juvenile nephropathic cystinosis. Also called: Intermediate Cystinosis; CYSTINOSIS, LATE-ONSET JUVENILE OR ADOLESCENT NEPHROPATHIC TYPE; Later-Onset (Juvenile) Cystinosis. Identifiers: Orphanet 213, Orphanet 411634, MedGen C0268626, MONDO:0009066, OMIM 219900.

Allele frequency attached by ClinVar (database versions not stated): ExAC 0.00001; gnomAD exomes 0.00001; TOPMed 0.00001; gnomAD 0.00002.
gnomAD v4.1: 17 of 1,611,458 alleles (0.0011%); highest among the groups gnomAD compares: East Asian, 0.0089%; no homozygotes.

Submissions (2):

Ambry Genetics
Classification: Likely benign for Inborn genetic diseases. Last evaluated: 2023-11-13. Review status: criteria provided, single submitter. Criteria: Ambry Variant Classification Scheme 2023. Collection method: clinical testing. Allele origin: germline.

Labcorp Genetics (formerly Invitae), Labcorp
Classification: Uncertain significance for Inborn genetic diseases; Ocular cystinosis; Juvenile nephropathic cystinosis. Last evaluated: 2022-07-13. Review status: criteria provided, single submitter. Criteria: Invitae Variant Classification Sherloc (09022015). Collection method: clinical testing. Allele origin: germline.
Comment: This sequence change replaces glycine, which is neutral and non-polar, with serine, which is neutral and polar, at codon 239 of the CTNS protein (p.Gly239Ser). This variant is present in population databases (rs374075160, gnomAD 0.003%). This variant has not been reported in the literature in individuals affected with CTNS-related conditions. Advanced modeling of protein sequence and biophysical properties (such as structural, functional, and spatial information, amino acid conservation, physicochemical variation, residue mobility, and thermodynamic stability) performed at Invitae indicates that this missense variant is not expected to disrupt CTNS protein function. Algorithms developed to predict the effect of sequence changes on RNA splicing suggest that this variant may create or strengthen a splice site. In summary, the available evidence is currently insufficient to determine the role of this variant in disease. Therefore, it has been classified as a Variant of Uncertain Significance.

NM_004937.3(CTNS):c.715G>A (p.Gly239Ser)

Gene: CTNS (cystinosin, lysosomal cystine transporter; plus strand). Cytogenetic location: 17p13.2.
Variant type: single nucleotide variant.
Coding change: c.715G>A on transcript NM_004937.3 (MANE Select); coding-DNA position 715, G replaced by A.
Protein change: p.Gly239Ser; replaces glycine 239 with serine.
Molecular consequence: missense variant.
Genome position (GRCh38, 1-based): chr17:3,658,038, G>A. VCF-style: chr17-3658038-G-A. GRCh37 (hg19) VCF-style: chr17-3561332-G-A.
Other names: c.715G>A, p.Gly239Ser (NM_001031681.3, NM_001374492.1); c.274G>A, p.Gly92Ser (NM_001374493.1, NM_001374494.1, NM_001374495.1 and 1 more transcripts); c.715G>A (NM_004937.2); short protein forms G92S, G239S.
Identifiers: ClinVar variation 2146761 (VCV002146761.2), dbSNP rs374075160, ClinGen allele CA8291868.